The following is an entry in ClinVar:

NM_000016.6(ACADM):c.91C>T (p.Arg31Cys)

Gene: ACADM (acyl-CoA dehydrogenase medium chain; plus strand). Cytogenetic location: 1p31.1.
Variant type: single nucleotide variant.
Coding change: c.91C>T on transcript NM_000016.6 (MANE Select); coding-DNA position 91, C replaced by T.
Protein change: p.Arg31Cys; replaces arginine 31 with cysteine.
Molecular consequence: missense variant. On other transcripts: intron variant (2).
Genome position (GRCh38, 1-based): chr1:75,728,461, C>T. VCF-style: chr1-75728461-C-T. GRCh37 (hg19) VCF-style: chr1-76194146-C-T.
Other names: c.103C>T, p.Arg35Cys (NM_001127328.3); c.91C>T, p.Arg31Cys (NM_001286043.2); c.10+3644C>T (NM_001286042.2); c.-268+3644C>T (NM_001286044.2); c.91C>T (NM_000016.4); short protein forms R35C, R31C.
Identifiers: ClinVar variation 2150044 (VCV002150044.12), dbSNP rs768452911, ClinGen allele CA912940.

ClinVar aggregate classification (germline): Conflicting classifications of pathogenicity. Review status: criteria provided, conflicting classifications (1 of 4 stars). 7 submissions from 7 submitters: Pathogenic (2); Likely pathogenic (4); Uncertain significance (1). Last evaluated 2025-12-31.

Conditions:
Inborn genetic diseases. Identifiers: MedGen C0950123, MeSH D030342.
Medium-chain acyl-coenzyme A dehydrogenase deficiency (ACADMD). Also called: MCADH DEFICIENCY; MCAD Deficiency; CARNITINE DEFICIENCY SECONDARY TO MEDIUM-CHAIN ACYL-CoA DEHYDROGENASE DEFICIENCY; MCADD; ACADM DEFICIENCY; Medium chain acyl-CoA dehydrogenase deficiency. Identifiers: Orphanet 42, MedGen C0220710, MONDO:0008721, OMIM 201450.

Allele frequency attached by ClinVar (database versions not stated): gnomAD exomes 0.00001; ExAC 0.00003; TOPMed 0.00003.
gnomAD v4.1: 25 of 1,613,218 alleles (0.0015%); highest among the groups gnomAD compares: Middle Eastern, 0.016%; no homozygotes.

Submissions (7):

Natera, Inc.
Classification: Likely pathogenic for Medium Chain Acyl-CoA Dehydrogenase Deficiency. Last evaluated: 2025-12-31. Review status: criteria provided, single submitter. Criteria: Natera Variant Classification Schema (03/2026). Collection method: clinical testing. Allele origin: germline.
Comment: The c.91C>T variant in ACADM is a missense variant predicted to cause substitution of arginine to cysteine at amino acid 31. This variant is rare in the general population with a frequency below the threshold expected for the associated phenotype(s). This variant has been observed in one or more individuals affected with the associated recessive disease, as either homozygous or compound heterozygous with a second variant (PMID: 36068006, 36246604). Multiple computational prediction algorithms suggest this variant is unlikely to affect gene or protein function. Given the available evidence, this variant is classified as Likely Pathogenic.

Fulgent Genetics
Classification: Likely pathogenic for Medium-chain acyl-coenzyme A dehydrogenase deficiency. Last evaluated: 2024-05-02. Review status: criteria provided, single submitter. Criteria: ACMG Guidelines, 2015. Collection method: clinical testing. Allele origin: germline.

Baylor Genetics
Classification: Likely pathogenic for Medium-chain acyl-coenzyme A dehydrogenase deficiency. Last evaluated: 2024-03-09. Review status: criteria provided, single submitter. Criteria: ACMG Guidelines, 2015. Collection method: clinical testing. Allele origin: unknown.

Labcorp Genetics (formerly Invitae), Labcorp
Classification: Pathogenic for Medium-chain acyl-coenzyme A dehydrogenase deficiency. Last evaluated: 2023-12-05. Review status: criteria provided, single submitter. Criteria: Invitae Variant Classification Sherloc (09022015). Collection method: clinical testing. Allele origin: germline.
Comment: This sequence change replaces arginine, which is basic and polar, with cysteine, which is neutral and slightly polar, at codon 31 of the ACADM protein (p.Arg31Cys). This variant is present in population databases (rs768452911, gnomAD 0.01%). This missense change has been observed in individual(s) with medium chain acyl-CoA dehydrogenase (MCAD) deficiency (PMID: 33841490). ClinVar contains an entry for this variant (Variation ID: 2150044). Algorithms developed to predict the effect of missense changes on protein structure and function output the following: SIFT: "Not Available"; PolyPhen-2: "Benign"; Align-GVGD: "Not Available". The cysteine amino acid residue is found in multiple mammalian species, which suggests that this missense change does not adversely affect protein function. Algorithms developed to predict the effect of sequence changes on RNA splicing suggest that this variant may disrupt the consensus splice site. This variant disrupts the p.Arg31 amino acid residue in ACADM. Other variant(s) that disrupt this residue have been determined to be pathogenic (PMID: 24966162; Invitae). This suggests that this residue is clinically significant, and that variants that disrupt this residue are likely to be disease-causing. For these reasons, this variant has been classified as Pathogenic.

Women's Health and Genetics/Laboratory Corporation of America, LabCorp
Classification: Likely pathogenic for Medium-chain acyl-coenzyme A dehydrogenase deficiency. Last evaluated: 2023-07-12. Review status: criteria provided, single submitter. Criteria: LabCorp Variant Classification Summary - May 2015. Collection method: clinical testing. Allele origin: germline.
Comment: Variant summary: ACADM c.91C>T (p.Arg31Cys) results in a non-conservative amino acid change located in the Acyl-CoA dehydrogenase/oxidase, N-terminal domain (IPR013786) of the encoded protein sequence. Four of five in-silico tools predict a benign effect of the variant on protein function. The variant allele was found at a frequency of 1.2e-05 in 251416 control chromosomes (gnomAD). c.91C>T has been reported in the literature as a compound heterozygous genotype together with a second pathogenic variant in several individuals affected with Medium Chain Acyl-CoA Dehydrogenase Deficiency (e.g. Adhikari_2020, Gong_2021, Li_2022, Zhang_2022). These data indicate that the variant is likely to be associated with disease. To our knowledge, no experimental evidence demonstrating an impact on protein function has been reported. The following publications have been ascertained in the context of this evaluation (PMID: 32778825, 33841490, 36068006, 36246604). Two submitters have cited clinical-significance assessments for this variant to ClinVar after 2014. One submitter classified the variant as pathogenic, and one submitter classified the variant as uncertain significance. Based on the evidence outlined above, the variant was classified as likely pathogenic.

Ambry Genetics
Classification: Uncertain significance for Inborn genetic diseases. Last evaluated: 2022-04-07. Review status: criteria provided, single submitter. Criteria: Ambry Variant Classification Scheme 2023. Collection method: clinical testing. Allele origin: germline.

Juno Genomics, Hangzhou Juno Genomics, Inc
Classification: Pathogenic for Medium-chain acyl-coenzyme A dehydrogenase deficiency. Review status: criteria provided, single submitter. Criteria: ACMG Guidelines, 2015. Collection method: clinical testing. Allele origin: germline.
Comment: Absent from controls (or at extremely low frequency if recessive) in Genome Aggregation Database.;Multiple lines of computational evidence support a deleterious effect on the gene or gene product.;For recessive disorders, detected in trans with a pathogenic variant.

Literature cited by the submitters: PubMed 36068006 (cited by Natera, Inc. and Women's Health and Genetics/Laboratory Corporation of America, LabCorp); PubMed 36246604 (cited by Natera, Inc. and Women's Health and Genetics/Laboratory Corporation of America, LabCorp); PubMed 33841490 (cited by 3 submitters); PubMed 24966162 (cited by Labcorp Genetics (formerly Invitae), Labcorp); PubMed 32778825 (cited by Women's Health and Genetics/Laboratory Corporation of America, LabCorp).